The following is an entry in ClinVar:

ClinVar aggregate classification (germline): Pathogenic/Likely pathogenic. Review status: criteria provided, multiple submitters, no conflicts (2 of 4 stars). 2 submissions from 2 submitters: Pathogenic (1); Likely pathogenic (1). Last evaluated 2023-08-14.

Conditions:
Leukocyte adhesion deficiency 1 (LAD1). Also called: LEUKOCYTE ADHESION DEFICIENCY, TYPE I; LAD 1; Lymphocyte function-associated antigen 1 immunodeficiency; LFA 1 immunodeficiency. Identifiers: Orphanet 2968, Orphanet 99842, MedGen C0398738, MONDO:0007293, OMIM 116920.

Submissions (2):

Labcorp Genetics (formerly Invitae), Labcorp
Classification: Likely pathogenic for Leukocyte adhesion deficiency 1. Last evaluated: 2023-08-14. Review status: criteria provided, single submitter. Criteria: Invitae Variant Classification Sherloc (09022015). Collection method: clinical testing. Allele origin: germline.
Comment: This sequence change affects a donor splice site in intron 6 of the ITGB2 gene. It is expected to disrupt RNA splicing. Variants that disrupt the donor or acceptor splice site typically lead to a loss of protein function (PMID: 16199547), and loss-of-function variants in ITGB2 are known to be pathogenic (PMID: 22134107, 25703682). This variant is not present in population databases (gnomAD no frequency). This variant has not been reported in the literature in individuals affected with ITGB2-related conditions. ClinVar contains an entry for this variant (Variation ID: 430061). Algorithms developed to predict the effect of sequence changes on RNA splicing suggest that this variant may disrupt the consensus splice site. In summary, the currently available evidence indicates that the variant is pathogenic, but additional data are needed to prove that conclusively. Therefore, this variant has been classified as Likely Pathogenic.

GeneDx
Classification: Pathogenic. Last evaluated: 2015-11-13. Review status: criteria provided, single submitter. Criteria: GeneDx Variant Classification (06012015). Collection method: clinical testing. Allele origin: germline. Affected: yes.
Comment: The c.741+1 G>A splice site variant in the ITGB2 gene destroys the canonical splice donor site inintron 6. It is predicted to cause abnormal gene splicing, either leading to an abnormal message that issubject to nonsense-mediated mRNA decay, or to an abnormal protein product if the message is usedfor protein translation. In addition, the c.741+1 G>A splice variant was not observed inapproximately 6,500 individuals of European and African American ancestry in the NHLBI ExomeSequencing Project, indicating it is not a common benign variant in these populations. Although thisvariant has not been previously reported to our knowledge, we interpret c.741+1 G>A as a pathogenic variant.

Literature cited by the submitters: PubMed 16199547 (cited by Labcorp Genetics (formerly Invitae), Labcorp); PubMed 22134107 (cited by Labcorp Genetics (formerly Invitae), Labcorp); PubMed 25703682 (cited by Labcorp Genetics (formerly Invitae), Labcorp).

NM_000211.5(ITGB2):c.741+1G>A

Gene: ITGB2 (integrin subunit beta 2; minus strand). Cytogenetic location: 21q22.3.
Variant type: single nucleotide variant.
Coding change: c.741+1G>A on transcript NM_000211.5 (MANE Select); the canonical splice donor site of the intron after coding-DNA position 741, G replaced by A.
Molecular consequence: splice donor variant.
Genome position (GRCh38, 1-based): chr21:44,901,491, C>T on the plus strand (G>A on the coding strand, the complement: ITGB2 is on the minus strand). VCF-style: chr21-44901491-C-T. GRCh37 (hg19) VCF-style: chr21-46321406-C-T.
Other names: c.741+1G>A (NM_001127491.3); c.534+1G>A (NM_001303238.2).
Identifiers: ClinVar variation 430061 (VCV000430061.5), dbSNP rs1131691763, ClinGen allele CA410475946.
Genomic context (GRCh38, chr21:44,901,491, plus strand): 5'-GCCTGACAGAGCCCCCCACACTGGGGGAACGTGGGGACCCAAGCAGGGGCAGCGGCCTCA[C>T]CGGGCAGGCGGCGACCTGCATCATGGCGTCCAGCCCACCCTCGGGTGCATCCAGGTTTCC-3'